The following is an entry in ClinVar:

NM_182978.4(GNAL):c.1325A>G (p.Asp442Gly)

Gene: GNAL (G protein subunit alpha L; plus strand). Cytogenetic location: 18p11.21.
Variant type: single nucleotide variant.
Coding change: c.1325A>G on transcript NM_182978.4 (MANE Select); coding-DNA position 1325, A replaced by G.
Protein change: p.Asp442Gly; replaces aspartic acid 442 with glycine.
Molecular consequence: missense variant.
Genome position (GRCh38, 1-based): chr18:11,881,083, A>G. VCF-style: chr18-11881083-A-G. GRCh37 (hg19) VCF-style: chr18-11881082-A-G.
Other names: c.1094A>G, p.Asp365Gly (NM_001142339.3, NM_001261443.2, NM_001369387.1); c.473A>G, p.Asp158Gly (NM_001261444.2); short protein forms D158G, D365G, D442G.
Identifiers: ClinVar variation 2497811 (VCV002497811.1), dbSNP rs2510535621, ClinGen allele CA401928347.

ClinVar aggregate classification (germline): Uncertain significance (1 of 4 stars; one submission).

Submission:

GeneDx
Classification: Uncertain significance. Last evaluated: 2022-10-09. Review status: criteria provided, single submitter. Criteria: GeneDx Variant Classification Process June 2021. Collection method: clinical testing. Allele origin: germline. Affected: yes.
Comment: Not observed at significant frequency in large population cohorts (gnomAD); In silico analysis supports that this missense variant has a deleterious effect on protein structure/function; Has not been previously published as pathogenic or benign to our knowledge